The following is an entry in ClinVar:

NM_001009944.3(PKD1):c.9169G>A (p.Val3057Met)

Gene: PKD1 (polycystin 1, transient receptor potential channel interacting; minus strand). Cytogenetic location: 16p13.3.
Variant type: single nucleotide variant.
Coding change: c.9169G>A on transcript NM_001009944.3 (MANE Select); coding-DNA position 9169, G replaced by A.
Protein change: p.Val3057Met; replaces valine 3057 with methionine.
Molecular consequence: missense variant.
Genome position (GRCh38, 1-based): chr16:2,102,413, C>T on the plus strand (G>A on the coding strand, the complement: PKD1 is on the minus strand). VCF-style: chr16-2102413-C-T. GRCh37 (hg19) VCF-style: chr16-2152414-C-T.
Other names: c.9169G>A (NM_000296.3); c.9169G>A, p.Val3057Met (NM_000296.4); short protein forms V3057M.
Identifiers: ClinVar variation 379812 (VCV000379812.8), dbSNP rs778055216, ClinGen allele CA7830177.

ClinVar aggregate classification (germline): Benign/Likely benign. Review status: criteria provided, multiple submitters, no conflicts (2 of 4 stars). 5 submissions from 5 submitters: Benign (1); Likely benign (2). 2 of the submissions do not count toward it. Last evaluated 2024-11-06.

Conditions:
Polycystic kidney disease. Also called: Kidney, Polycystic; Polycystic kidney dysplasia. Identifiers: MedGen C0022680, MeSH D007690, MONDO:0020642, HP:0000113.
PKD1-related disorder. Also called: PKD1-related condition.

Allele frequency attached by ClinVar (database versions not stated): ExAC 0.00010; gnomAD 0.00013; gnomAD exomes 0.00028; TOPMed 0.00030; 1000 Genomes Project 30x 0.00031.
gnomAD v4.1: 586 of 1,556,374 alleles (0.038%); highest among the groups gnomAD compares: Admixed American, 0.1%; no homozygotes.

Submissions (5):

Blueprint Genetics
Classification: Likely benign. Last evaluated: 2024-11-06. Review status: criteria provided, single submitter. Criteria: ACMG Guidelines, 2015. Collection method: clinical testing. Allele origin: germline.

Athena Diagnostics
Classification: Benign. Last evaluated: 2024-01-30. Review status: criteria provided, single submitter. Criteria: Athena Diagnostics Criteria. Collection method: clinical testing. Allele origin: unknown.

GeneDx
Classification: Likely benign. Last evaluated: 2019-11-27. Review status: criteria provided, single submitter. Criteria: GeneDx Variant Classification Process June 2021. Collection method: clinical testing. Allele origin: germline. Affected: yes.
Comment: In silico analysis, which includes protein predictors and evolutionary conservation, supports that this variant does not alter protein structure/function This variant is associated with the following publications: (PMID: 11967008, 24842140)

PreventionGenetics, part of Exact Sciences
Classification: Likely benign for PKD1-related condition. Last evaluated: 2020-03-28. Review status: no assertion criteria provided. Collection method: clinical testing. Allele origin: germline. Not counted in ClinVar's aggregate classification.
Comment: This variant is classified as likely benign based on ACMG/AMP sequence variant interpretation guidelines (Richards et al. 2015 PMID: 25741868, with internal and published modifications).

Department of Pathology and Laboratory Medicine, Sinai Health System
Classification: Likely benign for Polycystic Kidney disease. Review status: no assertion criteria provided. Collection method: clinical testing. Allele origin: unknown. Affected: yes. Study: The Canadian Open Genetics Repository (COGR). Not counted in ClinVar's aggregate classification.
Comment: The PKD1 p.Val3057Met variant was identified in 1 of 90 proband chromosomes (frequency: 0.01) from individuals or families with ADPKD and was present in 30 of 100 control chromosomes (frequency: 30) from Southwest Iran healthy individuals (Rossetti 2002, Hasfizi 2014). The variant was also identified in dbSNP (ID: rs778055216) as "With Likely benign allele", ClinVar (classified as likely benign by GeneDx), and ADPKD Mutation Database (as likely neutral ). The variant was not identified in LOVD 3.0, or PKD1-LOVD. The variant was identified in control databases in 44 of 185742 chromosomes at a frequency of 0.0002 increasing the likelihood this could be a low frequency benign variant (Genome Aggregation Database Feb 27, 2017). The variant was observed in the following populations: African in 3 of 16360 chromosomes (freq: 0.0002), Other in 1 of 4926 chromosomes (freq: 0.0002), Latino in 13 of 25062 chromosomes (freq: 0.0005), European in 27 of 74682 chromosomes (freq: 0.0004), while the variant was not observed in the Ashkenazi Jewish, East Asian, Finnish, and South Asian populations. In addition we cannot be certain that data from control databases is specific to PKD1 and not from one of the six PKD1 pseudogenes. The p.Val3057 residue is conserved in mammals and computational analyses (PolyPhen-2, SIFT, AlignGVGD, BLOSUM, MutationTaster) provide inconsistent predictions regarding the impact to the protein; this information is not very predictive of pathogenicity. The variant occurs outside of the splicing consensus sequence and in silico or computational prediction software programs (SpliceSiteFinder, MaxEntScan, NNSPLICE, GeneSplicer) do not predict a difference in splicing. In summary, based on the above information the clinical significance of this variant cannot be determined with certainty at this time although we would lean towards a more benign role for this variant. This variant is classified as likely benign.

Literature cited by the submitters: PubMed 31832432 (cited by Athena Diagnostics); PubMed 37543885 (cited by Athena Diagnostics); PubMed 24842140 (cited by Athena Diagnostics).